The following is an entry in ClinVar:

ClinVar aggregate classification (germline): Uncertain significance (1 of 4 stars; one submission).

Conditions:
Inborn genetic diseases. Identifiers: MedGen C0950123, MeSH D030342.

gnomAD v4.1: 6 of 1,614,052 alleles (0.00037%); highest among the groups gnomAD compares: South Asian, 0.0011%; no homozygotes.

Submission:

Ambry Genetics
Classification: Uncertain significance for Inborn genetic diseases. Last evaluated: 2025-03-29. Review status: criteria provided, single submitter. Criteria: Ambry Variant Classification Scheme 2023. Collection method: clinical testing. Allele origin: germline.
Comment: The p.L699P variant (also known as c.2096T>C), located in coding exon 12 of the BMPR2 gene, results from a T to C substitution at nucleotide position 2096. The leucine at codon 699 is replaced by proline, an amino acid with similar properties. This amino acid position is conserved. In addition, this alteration is predicted to be deleterious by in silico analysis. Based on the available evidence, the clinical significance of this variant remains unclear.

NM_001204.7(BMPR2):c.2096T>C (p.Leu699Pro)

Gene: BMPR2 (bone morphogenetic protein receptor type 2; plus strand). Cytogenetic location: 2q33.2.
Variant type: single nucleotide variant.
Coding change: c.2096T>C on transcript NM_001204.7 (MANE Select); coding-DNA position 2096, T replaced by C.
Protein change: p.Leu699Pro; replaces leucine 699 with proline.
Molecular consequence: missense variant.
Genome position (GRCh38, 1-based): chr2:202,555,761, T>C. VCF-style: chr2-202555761-T-C. GRCh37 (hg19) VCF-style: chr2-203420484-T-C.
Other names: short protein forms L699P.
Identifiers: ClinVar variation 3992078 (VCV003992078.1).